The following is an entry in ClinVar:

NM_002547.3(OPHN1):c.1066A>G (p.Arg356Gly)

Gene: OPHN1 (oligophrenin 1; minus strand). Cytogenetic location: Xq12.
Variant type: single nucleotide variant.
Coding change: c.1066A>G on transcript NM_002547.3 (MANE Select); coding-DNA position 1066, A replaced by G.
Protein change: p.Arg356Gly; replaces arginine 356 with glycine.
Molecular consequence: missense variant.
Genome position (GRCh38, 1-based): chrX:68,197,224, T>C on the plus strand (A>G on the coding strand, the complement: OPHN1 is on the minus strand). VCF-style: chrX-68197224-T-C. GRCh37 (hg19) VCF-style: chrX-67417066-T-C.
Other names: c.1066A>G, p.Arg356Gly (NM_001437258.1); short protein forms R356G.
Identifiers: ClinVar variation 4733141 (VCV004733141.1).

ClinVar aggregate classification (germline): Uncertain significance (1 of 4 stars; one submission).

Submission:

Labcorp Genetics (formerly Invitae), Labcorp
Classification: Uncertain significance. Last evaluated: 2025-12-21. Review status: criteria provided, single submitter. Criteria: Invitae Variant Classification Sherloc (09022015). Collection method: clinical testing. Allele origin: germline.
Comment: This sequence change replaces arginine, which is basic and polar, with glycine, which is neutral and non-polar, at codon 356 of the OPHN1 protein (p.Arg356Gly). This variant is not present in population databases (gnomAD no frequency). This variant has not been reported in the literature in individuals affected with OPHN1-related conditions. An algorithm developed to predict the effect of missense changes on protein structure and function (PolyPhen-2) suggests that this variant is likely to be disruptive. In summary, the available evidence is currently insufficient to determine the role of this variant in disease. Therefore, it has been classified as a Variant of Uncertain Significance.